The following is an entry in ClinVar:

NM_001081.4(CUBN):c.10295C>T (p.Thr3432Ile)

Gene: CUBN (cubilin; minus strand). Cytogenetic location: 10p13.
Variant type: single nucleotide variant.
Coding change: c.10295C>T on transcript NM_001081.4 (MANE Select); coding-DNA position 10295, C replaced by T.
Protein change: p.Thr3432Ile; replaces threonine 3432 with isoleucine.
Molecular consequence: missense variant.
Genome position (GRCh38, 1-based): chr10:16,835,081, G>A on the plus strand (C>T on the coding strand, the complement: CUBN is on the minus strand). VCF-style: chr10-16835081-G-A. GRCh37 (hg19) VCF-style: chr10-16877080-G-A.
Other names: short protein forms T3432I.
Identifiers: ClinVar variation 1427722 (VCV001427722.6), dbSNP rs7898873, ClinGen allele CA5422411.
Genomic context (GRCh38, chr10:16,835,081, plus strand): 5'-AAATCGTTTCTGCATTCAACTGAGTTCTCGATGCCAAGTGAATGAAAAAAGAGGGAAATG[G>A]TGTGGTTCTGGGGGGCTGTGAGAGTAACGGTGCAATCCTTGTCATTGTCGTAGTTATCTG-3'
Protein context (NP_001072.2, residues 3422-3442): TVTLTAPQNH[Thr3432Ile]ISLFFHSLGI

ClinVar aggregate classification (germline): Uncertain significance (1 of 4 stars; one submission).

Conditions:
Imerslund-Grasbeck syndrome. Also called: ENTEROCYTE COBALAMIN MALABSORPTION; ENTEROCYTE INTRINSIC FACTOR RECEPTOR, DEFECT OF; Imerslund-Gräsbeck syndrome; Megaloblastic anemia due to inborn errors of metabolism; PERNICIOUS ANEMIA, JUVENILE, DUE TO SELECTIVE INTESTINAL MALABSORPTION OF VITAMIN B12, WITH PROTEINURIA. Identifiers: Orphanet 35858, MedGen C4551825, MONDO:0009853.

gnomAD v4.1: 16 of 1,613,932 alleles (0.00099%); highest among the groups gnomAD compares: Non-Finnish European, 0.0014%; no homozygotes.

Submission:

Labcorp Genetics (formerly Invitae), Labcorp
Classification: Uncertain significance for Imerslund-Grasbeck syndrome. Last evaluated: 2025-06-20. Review status: criteria provided, single submitter. Criteria: Invitae Variant Classification Sherloc (09022015). Collection method: clinical testing. Allele origin: germline.
Comment: This sequence change replaces threonine, which is neutral and polar, with isoleucine, which is neutral and non-polar, at codon 3432 of the CUBN protein (p.Thr3432Ile). This variant is present in population databases (rs7898873, gnomAD 0.0009%). This variant has not been reported in the literature in individuals affected with CUBN-related conditions. ClinVar contains an entry for this variant (Variation ID: 1427722). Invitae Evidence Modeling of protein sequence and biophysical properties (such as structural, functional, and spatial information, amino acid conservation, physicochemical variation, residue mobility, and thermodynamic stability) indicates that this missense variant is not expected to disrupt CUBN protein function with a negative predictive value of 80%. In summary, the available evidence is currently insufficient to determine the role of this variant in disease. Therefore, it has been classified as a Variant of Uncertain Significance.